The following is an entry in ClinVar:

NM_032816.5(CEP89):c.1271G>A (p.Arg424His)

Gene: CEP89 (centrosomal protein 89; minus strand). Cytogenetic location: 19q13.11.
Variant type: single nucleotide variant.
Coding change: c.1271G>A on transcript NM_032816.5 (MANE Select); coding-DNA position 1271, G replaced by A.
Protein change: p.Arg424His; replaces arginine 424 with histidine.
Molecular consequence: missense variant.
Genome position (GRCh38, 1-based): chr19:32,918,337, C>T on the plus strand (G>A on the coding strand, the complement: CEP89 is on the minus strand). VCF-style: chr19-32918337-C-T. GRCh37 (hg19) VCF-style: chr19-33409243-C-T.
Other names: short protein forms R424H.
Identifiers: ClinVar variation 2209653 (VCV002209653.5), dbSNP rs182600896, ClinGen allele CA9359336.

ClinVar aggregate classification (germline): Conflicting classifications of pathogenicity. Review status: criteria provided, conflicting classifications (1 of 4 stars). 2 submissions from 2 submitters: Uncertain significance (1); Likely benign (1). Last evaluated 2023-09-10.

Allele frequency attached by ClinVar (database versions not stated): ExAC 0.00004; gnomAD exomes 0.00004; gnomAD 0.00005; TOPMed 0.00005; 1000 Genomes Project 30x 0.00016; 1000 Genomes Project 0.00020.
gnomAD v4.1: 71 of 1,608,032 alleles (0.0044%); highest among the groups gnomAD compares: South Asian, 0.0055%; no homozygotes.

Submissions (2):

Labcorp Genetics (formerly Invitae), Labcorp
Classification: Uncertain significance. Last evaluated: 2023-09-10. Review status: criteria provided, single submitter. Criteria: Invitae Variant Classification Sherloc (09022015). Collection method: clinical testing. Allele origin: germline.
Comment: Algorithms developed to predict the effect of missense changes on protein structure and function output the following: SIFT: "Not Available"; PolyPhen-2: "Benign"; Align-GVGD: "Not Available". The histidine amino acid residue is found in multiple mammalian species, which suggests that this missense change does not adversely affect protein function. This sequence change replaces arginine, which is basic and polar, with histidine, which is basic and polar, at codon 424 of the CEP89 protein (p.Arg424His). This variant is present in population databases (rs182600896, gnomAD 0.02%). This variant has not been reported in the literature in individuals affected with CEP89-related conditions. ClinVar contains an entry for this variant (Variation ID: 2209653). In summary, the available evidence is currently insufficient to determine the role of this variant in disease. Therefore, it has been classified as a Variant of Uncertain Significance.

Ambry Genetics
Classification: Likely benign. Last evaluated: 2022-06-29. Review status: criteria provided, single submitter. Criteria: Ambry Variant Classification Scheme 2023. Collection method: clinical testing. Allele origin: germline.